The following is an entry in ClinVar:

ClinVar aggregate classification (germline): Pathogenic (1 of 4 stars; one submission).

Conditions:
Episodic ataxia type 2 (EA2). Also called: CEREBELLAR ATAXIA, PAROXYSMAL, ACETAZOLAMIDE-RESPONSIVE; CEREBELLOPATHY, HEREDITARY PAROXYSMAL; EPISODIC ATAXIA, NYSTAGMUS-ASSOCIATED; ACETAZOLAMIDE-RESPONSIVE HEREDITARY PAROXYSMAL CEREBELLAR ATAXIA; ATAXIA, EPISODIC, WITH NYSTAGMUS; ATAXIA, FAMILIAL PAROXYSMAL. Identifiers: Orphanet 97, MedGen C1720416, MONDO:0007163, OMIM 108500.
Developmental and epileptic encephalopathy, 42 (DEE42A). Also called: Epileptic encephalopathy, early infantile, 42; DEVELOPMENTAL AND EPILEPTIC ENCEPHALOPATHY 42A; EPILEPTIC ENCEPHALOPATHY, EARLY INFANTILE, 42A. Identifiers: MedGen C4310716, MONDO:0014917, OMIM 617106.

Submission:

Labcorp Genetics (formerly Invitae), Labcorp
Classification: Pathogenic for Developmental and epileptic encephalopathy, 42; Episodic ataxia type 2. Last evaluated: 2023-12-02. Review status: criteria provided, single submitter. Criteria: Invitae Variant Classification Sherloc (09022015). Collection method: clinical testing. Allele origin: germline.
Comment: This sequence change creates a premature translational stop signal (p.Asp928Thrfs*142) in the CACNA1A gene. It is expected to result in an absent or disrupted protein product. Loss-of-function variants in CACNA1A are known to be pathogenic (PMID: 10371528, 19486177, 25735478, 27250579). This variant is not present in population databases (gnomAD no frequency). This variant has not been reported in the literature in individuals affected with CACNA1A-related conditions. For these reasons, this variant has been classified as Pathogenic.

Literature cited by the submitters: PubMed 10371528; PubMed 19486177; PubMed 25735478; PubMed 27250579.

NM_001127222.2(CACNA1A):c.2779del (p.Asp927fs)

Gene: CACNA1A (calcium voltage-gated channel subunit alpha1 A; minus strand). Cytogenetic location: 19p13.13.
Variant type: Deletion.
Coding change: c.2779del on transcript NM_001127222.2 (MANE Select); coding-DNA position 2779, one base deleted (G; older notation c.2779delG).
Protein change: p.Asp927fs; shifts the reading frame from aspartic acid 927.
Molecular consequence: frameshift variant.
Genome position (GRCh38, 1-based): chr19:13,298,854, C deleted on the plus strand (G on the coding strand, the reverse complement: CACNA1A is on the minus strand); the first of 4 consecutive C bases (chr19:13,298,854-13,298,857); deleting any one gives the same sequence. VCF-style (leftmost placement, unchanged base first): chr19-13298853-TC-T. GRCh37 (hg19) VCF-style: chr19-13409667-TC-T.
Other names: c.2791del, p.Asp931fs (NM_000068.4, NM_023035.3); c.2782del, p.Asp928fs (NM_001127221.2, NM_001174080.2); short protein forms D927fs, D931fs, D928fs.
Identifiers: ClinVar variation 2954213 (VCV002954213.3), dbSNP rs2512907195, ClinGen allele CA2582833357.